The following is an entry in ClinVar:

NM_006904.7(PRKDC):c.5235+6T>C

Gene: PRKDC (protein kinase, DNA-activated, catalytic subunit; minus strand). Cytogenetic location: 8q11.21.
Variant type: single nucleotide variant.
Coding change: c.5235+6T>C on transcript NM_006904.7 (MANE Select); 6 bases into the intron after coding-DNA position 5235, T replaced by C.
Molecular consequence: intron variant.
Genome position (GRCh38, 1-based): chr8:47,879,485, A>G on the plus strand (T>C on the coding strand, the complement: PRKDC is on the minus strand). VCF-style: chr8-47879485-A-G. GRCh37 (hg19) VCF-style: chr8-48792046-A-G.
Other names: c.5235+6T>C (NM_001081640.2).
Identifiers: ClinVar variation 933669 (VCV000933669.5), dbSNP rs1040074773, ClinGen allele CA176149042.

ClinVar aggregate classification (germline): Uncertain significance. Review status: criteria provided, multiple submitters, no conflicts (2 of 4 stars). 2 submissions from 2 submitters: Uncertain significance (2). Last evaluated 2022-11-01.

Conditions:
Severe combined immunodeficiency due to DNA-PKcs deficiency. Also called: Immunodeficiency 26 with or without neurologic abnormalities; IMMUNODEFICIENCY 26 WITH NEUROLOGIC ABNORMALITIES. Identifiers: Orphanet 317425, MedGen C4014833, MONDO:0014423, OMIM 615966.

Allele frequency attached by ClinVar (database versions not stated): TOPMed below 0.00001; gnomAD exomes 0.00001.
gnomAD v4.1: 22 of 1,562,682 alleles (0.0014%); highest among the groups gnomAD compares: Middle Eastern, 0.018%; no homozygotes.

Submissions (2):

Blueprint Genetics
Classification: Uncertain significance. Last evaluated: 2022-11-01. Review status: criteria provided, single submitter. Criteria: ACMG Guidelines, 2015. Collection method: clinical testing. Allele origin: germline.

Labcorp Genetics (formerly Invitae), Labcorp
Classification: Uncertain significance for Severe combined immunodeficiency due to DNA-PKcs deficiency. Last evaluated: 2020-12-31. Review status: criteria provided, single submitter. Criteria: Invitae Variant Classification Sherloc (09022015). Collection method: clinical testing. Allele origin: germline.
Comment: This sequence change falls in intron 39 of the PRKDC gene. It does not directly change the encoded amino acid sequence of the PRKDC protein. It affects a nucleotide within the consensus splice site of the intron. This variant is not present in population databases (ExAC no frequency). This variant has not been reported in the literature in individuals with PRKDC-related conditions. ClinVar contains an entry for this variant (Variation ID: 933669). Nucleotide substitutions within the consensus splice site are a relatively common cause of aberrant splicing (PMID: 17576681, 9536098). Algorithms developed to predict the effect of sequence changes on RNA splicing suggest that this variant may disrupt the consensus splice site, but this prediction has not been confirmed by published transcriptional studies. In summary, the available evidence is currently insufficient to determine the role of this variant in disease. Therefore, it has been classified as a Variant of Uncertain Significance.

Literature cited by the submitters: PubMed 17576681 (cited by Labcorp Genetics (formerly Invitae), Labcorp); PubMed 9536098 (cited by Labcorp Genetics (formerly Invitae), Labcorp).